The following is an entry in ClinVar:

NM_020738.4(KIDINS220):c.1600G>T (p.Ala534Ser)

Gene: KIDINS220 (kinase D interacting substrate 220; minus strand). Cytogenetic location: 2p25.1.
Variant type: single nucleotide variant.
Coding change: c.1600G>T on transcript NM_020738.4 (MANE Select); coding-DNA position 1600, G replaced by T.
Protein change: p.Ala534Ser; replaces alanine 534 with serine.
Molecular consequence: missense variant. On other transcripts: non-coding transcript variant (2).
Genome position (GRCh38, 1-based): chr2:8,789,901, C>A on the plus strand (G>T on the coding strand, the complement: KIDINS220 is on the minus strand). VCF-style: chr2-8789901-C-A. GRCh37 (hg19) VCF-style: chr2-8930031-C-A.
Other names: c.1600G>T (NM_020738.2); c.1603G>T, p.Ala535Ser (NM_001348729.2, NM_001348731.2, NM_001348734.2 and 3 more transcripts); c.1600G>T, p.Ala534Ser (NM_001348732.2, NM_001348735.2, NM_001348738.2 and 3 more transcripts); c.1474G>T, p.Ala492Ser (NM_001348736.2); short protein forms A492S, A534S, A535S.
Identifiers: ClinVar variation 1582223 (VCV001582223.21), dbSNP rs199536870, ClinGen allele CA1520150.

ClinVar aggregate classification (germline): Conflicting classifications of pathogenicity. Review status: criteria provided, conflicting classifications (1 of 4 stars). 5 submissions from 5 submitters: Uncertain significance (1); Likely benign (4). Last evaluated 2025-11-07.

Conditions:
Inborn genetic diseases. Identifiers: MedGen C0950123, MeSH D030342.
KIDINS220-related disorder. Also called: KIDINS220-related condition.

Allele frequency attached by ClinVar (database versions not stated): gnomAD 0.00006; TOPMed 0.00009; gnomAD exomes 0.00010 and 0.00018; ExAC 0.00022.
gnomAD v4.1: 164 of 1,609,942 alleles (0.01%); highest among the groups gnomAD compares: Middle Eastern, 0.17%; 1 homozygote.

Submissions (6):

PreventionGenetics, part of Exact Sciences
Classification: Likely benign for KIDINS220-related condition. Last evaluated: 2025-11-07. Review status: criteria provided, single submitter. Criteria: ACMG Guidelines, 2015. Collection method: clinical testing. Allele origin: germline.
Comment: This variant is classified as likely benign based on ACMG/AMP sequence variant interpretation guidelines (Richards et al. 2015 PMID: 25741868, with internal and published modifications).

CeGaT Center for Human Genetics Tuebingen
Classification: Uncertain significance. Last evaluated: 2025-11-01. Review status: criteria provided, single submitter. Criteria: CeGaT Center For Human Genetics Tuebingen Variant Classification Criteria Version 2. Collection method: clinical testing. Allele origin: germline. Affected: yes. Observed: 1 variant allele.

Labcorp Genetics (formerly Invitae), Labcorp
Classification: Likely benign. Last evaluated: 2025-05-30. Review status: criteria provided, single submitter. Criteria: Invitae Variant Classification Sherloc (09022015). Collection method: clinical testing. Allele origin: germline.

Ambry Genetics
Classification: Likely benign for Inborn genetic diseases. Last evaluated: 2024-04-06. Review status: criteria provided, single submitter. Criteria: Ambry Variant Classification Scheme 2023. Collection method: clinical testing. Allele origin: germline.

Breakthrough Genomics
Classification: Likely benign. Review status: criteria provided, single submitter. Criteria: ACMG Guidelines, 2015. Collection method: not provided. Allele origin: germline. Inheritance: Autosomal recessive inheritance. Affected: yes.

Dr. Peter K. Rogan Lab, Western University
No classification provided (evidence only). Condition: Nonpapillary renal cell carcinoma. Review status: no classification provided. Collection method: in vitro. Allele origin: not applicable. Functional consequence: retained intron. Not counted in ClinVar's aggregate classification.